The following is an entry in ClinVar:

NC_000009.11:g.(?_396765)_(407089_?)del

Gene: DOCK8 (dedicator of cytokinesis 8; plus strand). Cytogenetic location: 9p24.3.
Variant type: Deletion.
Identifiers: ClinVar variation 2427701 (VCV002427701.8).

ClinVar aggregate classification (germline): Pathogenic (1 of 4 stars; one submission).

Conditions:
Hyper-IgE recurrent infection syndrome 3, autosomal recessive. Also called: Autosomal recessive hyper-IgE syndrome due to ZNF341 deficiency; HYPER-IgE SYNDROME 3, AUTOSOMAL RECESSIVE, WITH RECURRENT INFECTIONS. Identifiers: Orphanet 641368, MedGen C4748969, MONDO:0032654, OMIM 618282.

Submission:

Labcorp Genetics (formerly Invitae), Labcorp
Classification: Pathogenic for Combined immunodeficiency due to DOCK8 deficiency. Last evaluated: 2022-08-10. Review status: criteria provided, single submitter. Criteria: Invitae Variant Classification Sherloc (09022015). Collection method: clinical testing. Allele origin: germline.
Comment: For these reasons, this variant has been classified as Pathogenic. This variant has not been reported in the literature in individuals affected with DOCK8-related conditions. This variant is a gross deletion of the genomic region encompassing exon(s) 25-28 of the DOCK8 gene. This deletion is out-of-frame, and is expected to create a premature termination codon and result in an absent or disrupted protein product. Loss-of-function variants in DOCK8 are known to be pathogenic (PMID: 14722525, 19776401).

Literature cited by the submitters: PubMed 14722525; PubMed 19776401.